The following is an entry in ClinVar:

NM_001276345.2(TNNT2):c.273T>A (p.Asp91Glu)

Gene: TNNT2 (troponin T2, cardiac type; minus strand). Cytogenetic location: 1q32.1.
Variant type: single nucleotide variant.
Coding change: c.273T>A on transcript NM_001276345.2 (MANE Select); coding-DNA position 273, T replaced by A.
Protein change: p.Asp91Glu; replaces aspartic acid 91 with glutamic acid.
Molecular consequence: missense variant.
Genome position (GRCh38, 1-based): chr1:201,365,631, A>T on the plus strand (T>A on the coding strand, the complement: TNNT2 is on the minus strand). VCF-style: chr1-201365631-A-T. GRCh37 (hg19) VCF-style: chr1-201334759-A-T.
Other names: c.273T>A, p.Asp91Glu (NM_000364.4, NM_001406723.1); c.243T>A, p.Asp81Glu (NM_001001430.3, NM_001001431.3, NM_001276347.2 and 3 more transcripts); c.228T>A, p.Asp76Glu (NM_001001432.3, NM_001406728.1); c.270T>A, p.Asp90Glu (NM_001276346.2); c.240T>A, p.Asp80Glu (NM_001406725.1); short protein forms D76E, D80E, D81E, D90E, D91E.
Identifiers: ClinVar variation 4783920 (VCV004783920.1).

ClinVar aggregate classification (germline): Uncertain significance (1 of 4 stars; one submission).

Conditions:
Cardiomyopathy, familial restrictive, 3. Identifiers: Orphanet 75249, MedGen C2676271, MONDO:0012900, OMIM 612422.
Hypertrophic cardiomyopathy 2. Also called: TNNT2-Related Familial Hypertrophic Cardiomyopathy. Identifiers: MedGen C1861864, MONDO:0007266, OMIM 115195.
Dilated cardiomyopathy 1D. Identifiers: Orphanet 154, Orphanet 54260, MedGen C1832243, MONDO:0011095, OMIM 601494.

gnomAD v4.1: 5 of 1,614,056 alleles (0.00031%); highest among the groups gnomAD compares: Non-Finnish European, 0.00025%; no homozygotes.

Submission:

Labcorp Genetics (formerly Invitae), Labcorp
Classification: Uncertain significance for Cardiomyopathy, familial restrictive, 3; Hypertrophic cardiomyopathy 2; Dilated cardiomyopathy 1D. Last evaluated: 2025-03-20. Review status: criteria provided, single submitter. Criteria: Invitae Variant Classification Sherloc (09022015). Collection method: clinical testing. Allele origin: germline.
Comment: This sequence change replaces aspartic acid, which is acidic and polar, with glutamic acid, which is acidic and polar, at codon 81 of the TNNT2 protein (p.Asp81Glu). This variant is not present in population databases (gnomAD no frequency). This variant has not been reported in the literature in individuals affected with TNNT2-related conditions. Invitae Evidence Modeling of protein sequence and biophysical properties (such as structural, functional, and spatial information, amino acid conservation, physicochemical variation, residue mobility, and thermodynamic stability) indicates that this missense variant is not expected to disrupt TNNT2 protein function with a negative predictive value of 80%. In summary, the available evidence is currently insufficient to determine the role of this variant in disease. Therefore, it has been classified as a Variant of Uncertain Significance.